The following is an entry in ClinVar:

NM_012275.3(IL36RN):c.41C>A (p.Ser14Ter)

Gene: IL36RN (interleukin 36 receptor antagonist; plus strand). Cytogenetic location: 2q14.1.
Variant type: single nucleotide variant.
Coding change: c.41C>A on transcript NM_012275.3 (MANE Select); coding-DNA position 41, C replaced by A.
Protein change: p.Ser14Ter; replaces serine 14 with a stop codon.
Molecular consequence: nonsense.
Genome position (GRCh38, 1-based): chr2:113,060,863, C>A. VCF-style: chr2-113060863-C-A. GRCh37 (hg19) VCF-style: chr2-113818440-C-A.
Other names: c.41C>A, p.Ser14Ter (NM_173170.1); short protein forms S14*.
Identifiers: ClinVar variation 4747025 (VCV004747025.1).

ClinVar aggregate classification (germline): Pathogenic (1 of 4 stars; one submission).

Conditions:
Generalized pustular psoriasis. Identifiers: Orphanet 247353, MedGen C0343055, MONDO:0100491.

gnomAD v4.1: 6 of 1,613,694 alleles (0.00037%); highest among the groups gnomAD compares: Non-Finnish European, 0.00051%; no homozygotes.

Submission:

Labcorp Genetics (formerly Invitae), Labcorp
Classification: Pathogenic for Generalized pustular psoriasis. Last evaluated: 2025-07-02. Review status: criteria provided, single submitter. Criteria: Invitae Variant Classification Sherloc (09022015). Collection method: clinical testing. Allele origin: germline.
Comment: This sequence change creates a premature translational stop signal (p.Ser14*) in the IL36RN gene. It is expected to result in an absent or disrupted protein product. Loss-of-function variants in IL36RN are known to be pathogenic (PMID: 23698098). This variant is not present in population databases (gnomAD no frequency). This premature translational stop signal has been observed in individual(s) with pustular psoriasis (PMID: 27220475). Algorithms developed to predict the effect of sequence changes on RNA splicing suggest that this variant may disrupt the consensus splice site. For these reasons, this variant has been classified as Pathogenic.

Literature cited by the submitters: PubMed 23698098; PubMed 27220475.